The following is an entry in ClinVar:

NM_000110.4(DPYD):c.851-1G>A

Gene: DPYD (dihydropyrimidine dehydrogenase; minus strand). Cytogenetic location: 1p21.3.
Variant type: single nucleotide variant.
Coding change: c.851-1G>A on transcript NM_000110.4 (MANE Select); the canonical splice acceptor site of the intron before coding-DNA position 851, G replaced by A.
Molecular consequence: splice acceptor variant.
Genome position (GRCh38, 1-based): chr1:97,595,167, C>T on the plus strand (G>A on the coding strand, the complement: DPYD is on the minus strand). VCF-style: chr1-97595167-C-T. GRCh37 (hg19) VCF-style: chr1-98060723-C-T.
Identifiers: ClinVar variation 5007343 (VCV005007343.2).

ClinVar aggregate classification (germline): Likely pathogenic (1 of 4 stars; one submission).

Conditions:
Dihydropyrimidine dehydrogenase deficiency (DPYDD). Also called: Hereditary Thymine-Uraciluria; DPD DEFICIENCY; DPYD DEFICIENCY. Identifiers: Orphanet 1675, MedGen C1959620, MONDO:0010130, OMIM 274270.

Submission:

Juno Genomics, Hangzhou Juno Genomics, Inc
Classification: Likely pathogenic for Dihydropyrimidine dehydrogenase deficiency. Review status: criteria provided, single submitter. Criteria: ACMG Guidelines, 2015. Collection method: clinical testing. Allele origin: germline.
Comment: Null variant in a gene where loss of function (LOF) is a known mechanism of disease.;Absent from controls (or at extremely low frequency if recessive) in Genome Aggregation Database.